The following is an entry in ClinVar:

ClinVar aggregate classification (germline): Pathogenic. Review status: criteria provided, multiple submitters, no conflicts (2 of 4 stars). 9 submissions from 9 submitters: Pathogenic (8). 1 of the submissions does not count toward it. Last evaluated 2025-04-24.

Conditions:
GJB1-related disorder. Also called: GJB1-related condition; GJB1-related disorders.
Charcot-Marie-Tooth Neuropathy X. Identifiers: MedGen CN118851.
Charcot-Marie-Tooth disease X-linked dominant 1. Also called: CHARCOT-MARIE-TOOTH NEUROPATHY, X-LINKED, 1; CHARCOT-MARIE-TOOTH PERONEAL MUSCULAR ATROPHY, X-LINKED; X-linked Charcot-Marie-Tooth disease type 1; Charcot-Marie-Tooth Neuropathy X Type 1; GJB1 Disorders: Charcot-Marie-Tooth Neuropathy (CMT1X) and Central Nervous System Phenotypes; HEREDITARY MOTOR AND SENSORY NEUROPATHY, X-LINKED. Identifiers: Orphanet 101075, MedGen C0393808, MONDO:0010549, OMIM 302800.

Allele frequency attached by ClinVar (database versions not stated): gnomAD exomes below 0.00001 and 0.00001.
gnomAD v4.1: 1 of 1,205,402 alleles (0.000083%); highest among the groups gnomAD compares: Non-Finnish European, 0.00011%; no homozygotes.

Submissions (9):

Labcorp Genetics (formerly Invitae), Labcorp
Classification: Pathogenic for Charcot-Marie-Tooth Neuropathy X. Last evaluated: 2025-04-24. Review status: criteria provided, single submitter. Criteria: Invitae Variant Classification Sherloc (09022015). Collection method: clinical testing. Allele origin: germline.
Comment: This sequence change replaces arginine, which is basic and polar, with tryptophan, which is neutral and slightly polar, at codon 142 of the GJB1 protein (p.Arg142Trp). The frequency data for this variant in the population databases is considered unreliable, as metrics indicate poor data quality at this position in the gnomAD database. This missense change has been observed in individual(s) with Charcot-Marie-Tooth disease, type IX (PMID: 8004109, 8266101, 10873293, 25947624). It has also been observed to segregate with disease in related individuals. ClinVar contains an entry for this variant (Variation ID: 10431). Invitae Evidence Modeling of protein sequence and biophysical properties (such as structural, functional, and spatial information, amino acid conservation, physicochemical variation, residue mobility, and thermodynamic stability) indicates that this missense variant is expected to disrupt GJB1 protein function with a positive predictive value of 95%. Experimental studies have shown that this missense change affects GJB1 function (PMID: 7946361, 9364054, 10848620). This variant disrupts the p.Arg142 amino acid residue in GJB1. Other variant(s) that disrupt this residue have been determined to be pathogenic (PMID: 11571214). This suggests that this residue is clinically significant, and that variants that disrupt this residue are likely to be disease-causing. For these reasons, this variant has been classified as Pathogenic.

CeGaT Center for Human Genetics Tuebingen
Classification: Pathogenic. Last evaluated: 2025-04-01. Review status: criteria provided, single submitter. Criteria: CeGaT Center For Human Genetics Tuebingen Variant Classification Criteria Version 2. Collection method: clinical testing. Allele origin: germline. Affected: yes. Observed: 1 variant allele.
Comment: GJB1: PS4, PM2, PM5, PS3:Moderate, PP3

Genomic Medicine Center of Excellence, King Faisal Specialist Hospital and Research Centre
Classification: Pathogenic for Charcot-Marie-Tooth disease X-linked dominant 1. Last evaluated: 2024-09-22. Review status: criteria provided, single submitter. Criteria: ACMG Guidelines, 2015. Collection method: clinical testing. Allele origin: germline.

Centro Nacional de Genética Medica, Administración Nacional de Laboratorios e Institutos de Salud (ANLIS) “Dr. Carlos G Malbrán”
Classification: Pathogenic for Charcot-Marie-Tooth disease X-linked dominant 1. Last evaluated: 2024-08-01. Review status: criteria provided, single submitter. Criteria: ACMG Guidelines, 2015. Collection method: research. Allele origin: germline. Affected: yes. Observed: 1 variant allele.
Comment: The c.424C>T, variant found is located in exon 2. Most predictors characterize the variant as Deleterious (PP3), the patient's phenotype and family history are highly specific for this Mendelian disease: Asymmetric bilateral pes cavus, gait disturbances, suspected hereditary neuropathy (PP4), the variant is located in a well-established functional domain: it is in a Connexin domain, right in the transmembrane passage region (PM1), a rare variant is observed in unrelated individuals with the same phenotype and is absent in control individuals, there are 4 reports in ClinVar of patients with this syndrome and this same variant (VCV000010431.15) (PS4), the variant was not found in the general population (PM2_Supporting), it is a missense variant in a gene with a low benign missense rate (Z score 3.96) (PP2), there are functional studies that show that this variant causes the pathology (PMID:19369543)(PS3)

Blueprint Genetics
Classification: Pathogenic for GJB1-related disorders. Last evaluated: 2024-02-21. Review status: criteria provided, single submitter. Criteria: ACMG Guidelines, 2015. Collection method: clinical testing. Allele origin: germline. Affected: yes. Observed: 3 variant alleles.

GeneDx
Classification: Pathogenic. Last evaluated: 2023-01-11. Review status: criteria provided, single submitter. Criteria: GeneDx Variant Classification Process June 2021. Collection method: clinical testing. Allele origin: germline. Affected: yes.
Comment: Published functional studies demonstrate a damaging effect, with the R142W variant forming no functional intercellular channels and demonstrating impaired connexon assembly (Bruzzone et al., 1994; VanSlyke et al., 2000); Not observed at significant frequency in large population cohorts (gnomAD); Missense variants in this gene are often considered pathogenic (HGMD); In silico analysis supports that this missense variant has a deleterious effect on protein structure/function; This variant is associated with the following publications: (PMID: 8004109, 22771394, 10207904, 10848620, 9364054, 8266101, 7946361, 28286897)

Center of Genomic medicine, Geneva, University Hospital of Geneva
Classification: Pathogenic for X-linked Charcot-Marie-Tooth disease type 1. Last evaluated: 2018-08-03. Review status: criteria provided, single submitter. Criteria: ACMG Guidelines, 2015. Collection method: clinical testing. Allele origin: maternal. Affected: yes. Observed: 2 variant alleles.

Institute for Medical Genetics and Human Genetics, Charité - Universitätsmedizin Berlin
Classification: Pathogenic for Charcot-Marie-Tooth disease X-linked dominant 1. Review status: criteria provided, single submitter. Criteria: ACMG Guidelines, 2015. Collection method: not provided. Allele origin: germline. Inheritance: X-linked inheritance. Affected: yes.

OMIM
Classification: Pathogenic for CHARCOT-MARIE-TOOTH DISEASE, X-LINKED DOMINANT, 1. Last evaluated: 1993-12-24. Review status: no assertion criteria provided. Collection method: literature only. Allele origin: germline. Not counted in ClinVar's aggregate classification.

Literature cited by the submitters: PubMed 8004109 (cited by Labcorp Genetics (formerly Invitae), Labcorp); PubMed 8266101 (cited by Labcorp Genetics (formerly Invitae), Labcorp and OMIM); PubMed 10873293 (cited by Labcorp Genetics (formerly Invitae), Labcorp); PubMed 25947624 (cited by Labcorp Genetics (formerly Invitae), Labcorp); PubMed 7946361 (cited by Labcorp Genetics (formerly Invitae), Labcorp); PubMed 9364054 (cited by Labcorp Genetics (formerly Invitae), Labcorp); PubMed 10848620 (cited by Labcorp Genetics (formerly Invitae), Labcorp); PubMed 11571214 (cited by Labcorp Genetics (formerly Invitae), Labcorp); PubMed 19369543 (cited by Centro Nacional de Genética Medica, Administración Nacional de Laboratorios e Institutos de Salud (ANLIS) “Dr. Carlos G Malbrán”).

NM_000166.6(GJB1):c.424C>T (p.Arg142Trp)

Gene: GJB1 (gap junction protein beta 1; plus strand). Cytogenetic location: Xq13.1.
Variant type: single nucleotide variant.
Coding change: c.424C>T on transcript NM_000166.6 (MANE Select); coding-DNA position 424, C replaced by T.
Protein change: p.Arg142Trp; replaces arginine 142 with tryptophan.
Molecular consequence: missense variant.
Genome position (GRCh38, 1-based): chrX:71,224,131, C>T. VCF-style: chrX-71224131-C-T. GRCh37 (hg19) VCF-style: chrX-70443981-C-T.
Other names: c.424C>T; p.R142W; c.424C>T, p.Arg142Trp (NM_001097642.3); c.424C>T (NM_001097642.2); short protein forms R142W.
Identifiers: ClinVar variation 10431 (VCV000010431.26), dbSNP rs104894810, ClinGen allele CA255229.